The following is an entry in ClinVar:

NM_001276345.2(TNNT2):c.163G>A (p.Glu55Lys)

Gene: TNNT2 (troponin T2, cardiac type; minus strand). Cytogenetic location: 1q32.1.
Variant type: single nucleotide variant.
Coding change: c.163G>A on transcript NM_001276345.2 (MANE Select); coding-DNA position 163, G replaced by A.
Protein change: p.Glu55Lys; replaces glutamic acid 55 with lysine.
Molecular consequence: missense variant.
Genome position (GRCh38, 1-based): chr1:201,368,162, C>T on the plus strand (G>A on the coding strand, the complement: TNNT2 is on the minus strand). VCF-style: chr1-201368162-C-T. GRCh37 (hg19) VCF-style: chr1-201337290-C-T.
Other names: c.163G>A, p.Glu55Lys (NM_000364.4); c.133G>A, p.Glu45Lys (NM_001001430.3, NM_001001431.3, NM_001276347.2); c.118G>A, p.Glu40Lys (NM_001001432.3); c.163G>A, p.Asp55Asn (NM_001276346.2); c.133G>A (NM_001001430.2); short protein forms E45K, E55K, D55N, E40K.
Identifiers: ClinVar variation 1419773 (VCV001419773.9), dbSNP rs730881120, ClinGen allele CA004095.

ClinVar aggregate classification (germline): Uncertain significance. Review status: criteria provided, multiple submitters, no conflicts (2 of 4 stars). 3 submissions from 3 submitters: Uncertain significance (3). Last evaluated 2026-09-21.

Conditions:
Cardiovascular phenotype. Identifiers: MedGen CN230736.
Hypertrophic cardiomyopathy 2. Also called: TNNT2-Related Familial Hypertrophic Cardiomyopathy. Identifiers: MedGen C1861864, MONDO:0007266, OMIM 115195.
Cardiomyopathy, familial restrictive, 3. Identifiers: Orphanet 75249, MedGen C2676271, MONDO:0012900, OMIM 612422.
Dilated cardiomyopathy 1D. Identifiers: Orphanet 154, Orphanet 54260, MedGen C1832243, MONDO:0011095, OMIM 601494.

Submissions (3):

Molecular Diagnostic Laboratory for Inherited Cardiovascular Disease, Montreal Heart Institute
Classification: Uncertain significance for Cardiovascular phenotype. Last evaluated: 2026-09-21. Review status: criteria provided, single submitter. Criteria: ACMG Guidelines, 2015. Collection method: clinical testing. Allele origin: germline. Affected: yes.
Comment: PM2, PP2

Ambry Genetics
Classification: Uncertain significance for Cardiovascular phenotype. Last evaluated: 2024-09-13. Review status: criteria provided, single submitter. Criteria: Ambry Variant Classification Scheme 2023. Collection method: clinical testing. Allele origin: germline.
Comment: The p.E45K variant (also known as c.133G>A), located in coding exon 4 of the TNNT2 gene, results from a G to A substitution at nucleotide position 133. The amino acid change results in glutamic acid to lysine at codon 45, an amino acid with similar properties. However, this change occurs in the last base pair of coding exon 4, which makes it likely to have some effect on normal mRNA splicing. This nucleotide position is highly conserved in available vertebrate species. In silico splice site analysis predicts that this alteration will not have any significant effect on splicing. This amino acid position is not well conserved in available vertebrate species. In addition, as a missense substitution this is predicted to be inconclusive by in silico analysis. Based on the available evidence, the clinical significance of this variant remains unclear.

Labcorp Genetics (formerly Invitae), Labcorp
Classification: Uncertain significance for Cardiomyopathy, familial restrictive, 3; Hypertrophic cardiomyopathy 2; Dilated cardiomyopathy 1D. Last evaluated: 2024-07-29. Review status: criteria provided, single submitter. Criteria: Invitae Variant Classification Sherloc (09022015). Collection method: clinical testing. Allele origin: germline.
Comment: This sequence change replaces glutamic acid, which is acidic and polar, with lysine, which is basic and polar, at codon 45 of the TNNT2 protein (p.Glu45Lys). This variant is present in population databases (rs730881120, gnomAD 0.0009%). This variant has not been reported in the literature in individuals affected with TNNT2-related conditions. ClinVar contains an entry for this variant (Variation ID: 1419773). Experimental studies and prediction algorithms are not available or were not evaluated, and the functional significance of this variant is currently unknown. In summary, the available evidence is currently insufficient to determine the role of this variant in disease. Therefore, it has been classified as a Variant of Uncertain Significance.